The following is an entry in ClinVar:

NM_004260.4(RECQL4):c.1583del (p.Leu528fs)

Gene: RECQL4 (RecQ like helicase 4; minus strand). Cytogenetic location: 8q24.3.
Variant type: Deletion.
Coding change: c.1583del on transcript NM_004260.4 (MANE Select); coding-DNA position 1583, one base deleted (T; older notation c.1583delT).
Protein change: p.Leu528fs; shifts the reading frame from leucine 528.
Molecular consequence: frameshift variant.
Genome position (GRCh38, 1-based): chr8:144,514,973, A deleted on the plus strand (T on the coding strand, the reverse complement: RECQL4 is on the minus strand); the first of 2 consecutive A bases (chr8:144,514,973-144,514,974); deleting either gives the same sequence. VCF-style (leftmost placement, unchanged base first): chr8-144514972-CA-C. GRCh37 (hg19) VCF-style: chr8-145740356-CA-C.
Other names: short protein forms L528fs.
Identifiers: ClinVar variation 847133 (VCV000847133.6), dbSNP rs1564801266, ClinGen allele CA585833074.

ClinVar aggregate classification (germline): Pathogenic (1 of 4 stars; one submission).

Conditions:
Baller-Gerold syndrome (BGS). Also called: CRANIOSYNOSTOSIS WITH RADIAL DEFECTS. Identifiers: Orphanet 1225, MedGen C0265308, MONDO:0009039, OMIM 218600.

Submission:

Labcorp Genetics (formerly Invitae), Labcorp
Classification: Pathogenic for Baller-Gerold syndrome. Last evaluated: 2021-10-29. Review status: criteria provided, single submitter. Criteria: Invitae Variant Classification Sherloc (09022015). Collection method: clinical testing. Allele origin: germline.
Comment: This sequence change creates a premature translational stop signal (p.Leu528Trpfs*30) in the RECQL4 gene. It is expected to result in an absent or disrupted protein product. Loss-of-function variants in RECQL4 are known to be pathogenic (PMID: 12734318, 12952869). This variant is present in population databases (no rsID available, gnomAD 0.0009%). This variant has not been reported in the literature in individuals affected with RECQL4-related conditions. ClinVar contains an entry for this variant (Variation ID: 847133). For these reasons, this variant has been classified as Pathogenic.

Literature cited by the submitters: PubMed 12734318; PubMed 12952869.